The following is an entry in ClinVar:

NM_000528.4(MAN2B1):c.2436+17C>T

Gene: MAN2B1 (mannosidase alpha class 2B member 1; minus strand). Cytogenetic location: 19p13.13.
Variant type: single nucleotide variant.
Coding change: c.2436+17C>T on transcript NM_000528.4 (MANE Select); 17 bases into the intron after coding-DNA position 2436, C replaced by T.
Molecular consequence: intron variant.
Genome position (GRCh38, 1-based): chr19:12,649,119, G>A on the plus strand (C>T on the coding strand, the complement: MAN2B1 is on the minus strand). VCF-style: chr19-12649119-G-A. GRCh37 (hg19) VCF-style: chr19-12759933-G-A.
Other names: c.2433+17C>T (NM_001173498.2).
Identifiers: ClinVar variation 558859 (VCV000558859.16), dbSNP rs148420017, ClinGen allele CA9226037.

ClinVar aggregate classification (germline): Benign/Likely benign. Review status: criteria provided, multiple submitters, no conflicts (2 of 4 stars). 4 submissions from 4 submitters: Benign (2); Likely benign (1). 1 of the submissions does not count toward it. Last evaluated 2026-02-04.

Conditions:
Deficiency of alpha-mannosidase (MANSA). Also called: Mannosidosis, alpha-, types I and II; Alpha-Mannosidosis; LYSOSOMAL ALPHA-D-MANNOSIDASE DEFICIENCY. Identifiers: Orphanet 61, MedGen C0024748, MONDO:0009561, OMIM 248500.

Allele frequency attached by ClinVar (database versions not stated): 1000 Genomes Project 30x 0.00390; 1000 Genomes Project 0.00419; TOPMed 0.01008; gnomAD 0.01015 and 0.01054; gnomAD exomes 0.01098 and 0.01540; ESP Exome Variant Server 0.01161; ExAC 0.01270.
gnomAD v4.1: 23,839 of 1,609,568 alleles (1.5%); highest among the groups gnomAD compares: Non-Finnish European, 1.8%; 223 homozygotes.

Submissions (4):

Labcorp Genetics (formerly Invitae), Labcorp
Classification: Benign for Deficiency of alpha-mannosidase. Last evaluated: 2026-02-04. Review status: criteria provided, single submitter. Criteria: Invitae Variant Classification Sherloc (09022015). Collection method: clinical testing. Allele origin: germline.

GeneDx
Classification: Likely benign. Last evaluated: 2019-06-27. Review status: criteria provided, single submitter. Criteria: GeneDx Variant Classification Process June 2021. Collection method: clinical testing. Allele origin: germline. Affected: yes.
Comment: See Variant Classification Assertion Criteria.

Breakthrough Genomics
Classification: Benign. Review status: criteria provided, single submitter. Criteria: ACMG Guidelines, 2015. Collection method: not provided. Allele origin: germline. Inheritance: Autosomal recessive inheritance. Affected: yes.

Mayo Clinic Laboratories, Mayo Clinic
Classification: Likely benign. Last evaluated: 2017-02-27. Review status: no assertion criteria provided. Collection method: clinical testing. Allele origin: unknown. Not counted in ClinVar's aggregate classification.